The following is an entry in ClinVar:

ClinVar aggregate classification (germline): Conflicting classifications of pathogenicity. Review status: criteria provided, conflicting classifications (1 of 4 stars). 3 submissions from 3 submitters: Pathogenic (1); Likely pathogenic (1); Uncertain significance (1). Last evaluated 2025-03-11.

Conditions:
Marfan syndrome (MFS). Also called: FBN1-Related Marfan Syndrome; MARFAN SYNDROME, TYPE I; Marfan syndrome type 1; Marfan's syndrome; Marfan syndrome, classic. Identifiers: Orphanet 284963, Orphanet 558, MedGen C0024796, MONDO:0007947, OMIM 154700.
Familial thoracic aortic aneurysm and aortic dissection (TAAD). Also called: Thoracic aortic aneurysms and dissections. Identifiers: Orphanet 91387, MedGen C4707243, MONDO:0019625.

Submissions (3):

Labcorp Genetics (formerly Invitae), Labcorp
Classification: Likely pathogenic for Marfan syndrome; Familial thoracic aortic aneurysm and aortic dissection. Last evaluated: 2025-03-11. Review status: criteria provided, single submitter. Criteria: Invitae Variant Classification Sherloc (09022015). Collection method: clinical testing. Allele origin: germline.
Comment: This sequence change replaces glycine, which is neutral and non-polar, with valine, which is neutral and non-polar, at codon 1796 of the FBN1 protein (p.Gly1796Val). This variant is not present in population databases (gnomAD no frequency). This missense change has been observed in individuals with Marfan syndrome (PMID: 17657824; internal data). ClinVar contains an entry for this variant (Variation ID: 988477). Invitae Evidence Modeling of protein sequence and biophysical properties (such as structural, functional, and spatial information, amino acid conservation, physicochemical variation, residue mobility, and thermodynamic stability) indicates that this missense variant is expected to disrupt FBN1 protein function with a positive predictive value of 95%. This variant disrupts the p.Gly1796 amino acid residue in FBN1. Other variant(s) that disrupt this residue have been observed in individuals with FBN1-related conditions (PMID: 11992479, 17657824), which suggests that this may be a clinically significant amino acid residue. In summary, the currently available evidence indicates that the variant is pathogenic, but additional data are needed to prove that conclusively. Therefore, this variant has been classified as Likely Pathogenic.

Women's Health and Genetics/Laboratory Corporation of America, LabCorp
Classification: Uncertain significance. Last evaluated: 2025-02-28. Review status: criteria provided, single submitter. Criteria: LabCorp Variant Classification Summary - May 2015. Collection method: clinical testing. Allele origin: germline.
Comment: Variant summary: FBN1 c.5387G>T (p.Gly1796Val) results in a non-conservative amino acid change located in the EGF-like domain profile (IPR000742) of the encoded protein sequence. Five of five in-silico tools predict a damaging effect of the variant on protein function. The variant was absent in 251284 control chromosomes. The available data on variant occurrences in the general population are insufficient to allow any conclusion about variant significance. c.5387G>T has been reported in the literature in the heterozygous state in at-least one individual affected with Marfan Syndrome and at-least one individual with a suspected genetic diagnosis who underwent WGS testing; however, this individual's phenotype was not specified (example: Comeglio_2007, Stranneheim_2021). These data do not allow any conclusion about variant significance. To our knowledge, no experimental evidence demonstrating an impact on protein function has been reported. The following publications have been ascertained in the context of this evaluation (PMID: 17657824, 33726816). ClinVar contains an entry for this variant (Variation ID: 988477). Based on the evidence outlined above, the variant was classified as uncertain significance.

Clinical Genetics and Genomics, Karolinska University Hospital
Classification: Pathogenic. Last evaluated: 2016-01-12. Review status: criteria provided, single submitter. Criteria: ACMG Guidelines, 2015. Collection method: clinical testing. Allele origin: germline. Affected: yes. Observed: 9 variant alleles.

Literature cited by the submitters: PubMed 17657824 (cited by Labcorp Genetics (formerly Invitae), Labcorp and Women's Health and Genetics/Laboratory Corporation of America, LabCorp); PubMed 11992479 (cited by Labcorp Genetics (formerly Invitae), Labcorp); PubMed 33726816 (cited by Women's Health and Genetics/Laboratory Corporation of America, LabCorp).

NM_000138.5(FBN1):c.5387G>T (p.Gly1796Val)

Gene: FBN1 (fibrillin 1; minus strand). Cytogenetic location: 15q21.1.
Variant type: single nucleotide variant.
Coding change: c.5387G>T on transcript NM_000138.5 (MANE Select); coding-DNA position 5387, G replaced by T.
Protein change: p.Gly1796Val; replaces glycine 1796 with valine.
Molecular consequence: missense variant.
Genome position (GRCh38, 1-based): chr15:48,456,672, C>A on the plus strand (G>T on the coding strand, the complement: FBN1 is on the minus strand). VCF-style: chr15-48456672-C-A. GRCh37 (hg19) VCF-style: chr15-48748869-C-A.
Other names: short protein forms G1796V.
Identifiers: ClinVar variation 988477 (VCV000988477.4), dbSNP rs2043240309, ClinGen allele CA392345948.